The following is an entry in ClinVar:

NM_014023.4(WDR37):c.485T>G (p.Val162Gly)

Gene: WDR37 (WD repeat domain 37; plus strand). Cytogenetic location: 10p15.3.
Variant type: single nucleotide variant.
Coding change: c.485T>G on transcript NM_014023.4 (MANE Select); coding-DNA position 485, T replaced by G.
Protein change: p.Val162Gly; replaces valine 162 with glycine.
Molecular consequence: missense variant.
Genome position (GRCh38, 1-based): chr10:1,084,491, T>G. VCF-style: chr10-1084491-T-G. GRCh37 (hg19) VCF-style: chr10-1130431-T-G.
Other names: short protein forms V162G.
Identifiers: ClinVar variation 2571986 (VCV002571986.1), dbSNP rs2490678650, ClinGen allele CA375857270.

ClinVar aggregate classification (germline): Uncertain significance (1 of 4 stars; one submission).

Submission:

GeneDx
Classification: Uncertain significance. Last evaluated: 2023-01-10. Review status: criteria provided, single submitter. Criteria: GeneDx Variant Classification Process June 2021. Collection method: clinical testing. Allele origin: germline. Affected: yes.
Comment: Not observed at significant frequency in large population cohorts (gnomAD); In silico analysis supports that this missense variant has a deleterious effect on protein structure/function; Has not been previously published as pathogenic or benign to our knowledge